The following is an entry in ClinVar:

ClinVar aggregate classification (germline): Likely benign. Review status: criteria provided, multiple submitters, no conflicts (2 of 4 stars). 4 submissions from 4 submitters: Likely benign (3). 1 of the submissions does not count toward it. Last evaluated 2024-10-11.

Conditions:
ARHGAP29-related disorder. Also called: ARHGAP29-related condition; ARHGAP29-Related Disorders.

Allele frequency attached by ClinVar (database versions not stated): 1000 Genomes Project 0.00140; TOPMed 0.00148; gnomAD 0.00151 and 0.00154; ExAC 0.00183; 1000 Genomes Project 30x 0.00187; ESP Exome Variant Server 0.00254.
gnomAD v4.1: 3,291 of 1,613,364 alleles (0.2%); highest among the groups gnomAD compares: Non-Finnish European, 0.24%; 8 homozygotes.

Submissions (4):

Blueprint Genetics
Classification: Likely benign. Last evaluated: 2024-10-11. Review status: criteria provided, single submitter. Criteria: ACMG Guidelines, 2015. Collection method: clinical testing. Allele origin: germline.

Labcorp Genetics (formerly Invitae), Labcorp
Classification: Likely benign. Last evaluated: 2019-12-31. Review status: criteria provided, single submitter. Criteria: Invitae Variant Classification Sherloc (09022015). Collection method: clinical testing. Allele origin: germline.

Breakthrough Genomics
Classification: Likely benign. Review status: criteria provided, single submitter. Criteria: ACMG Guidelines, 2015. Collection method: not provided. Allele origin: germline. Inheritance: Unknown mechanism. Affected: yes.

PreventionGenetics, part of Exact Sciences
Classification: Likely benign for ARHGAP29-related condition. Last evaluated: 2021-06-03. Review status: no assertion criteria provided. Collection method: clinical testing. Allele origin: germline. Not counted in ClinVar's aggregate classification.
Comment: This variant is classified as likely benign based on ACMG/AMP sequence variant interpretation guidelines (Richards et al. 2015 PMID: 25741868, with internal and published modifications).

NM_004815.4(ARHGAP29):c.2393G>A (p.Arg798Gln)

Gene: ARHGAP29 (Rho GTPase activating protein 29; minus strand). Cytogenetic location: 1p22.1.
Variant type: single nucleotide variant.
Coding change: c.2393G>A on transcript NM_004815.4 (MANE Select); coding-DNA position 2393, G replaced by A.
Protein change: p.Arg798Gln; replaces arginine 798 with glutamine.
Molecular consequence: missense variant.
Genome position (GRCh38, 1-based): chr1:94,179,812, C>T on the plus strand (G>A on the coding strand, the complement: ARHGAP29 is on the minus strand). VCF-style: chr1-94179812-C-T. GRCh37 (hg19) VCF-style: chr1-94645368-C-T.
Other names: c.2393G>A, p.Arg798Gln (NM_001328664.2); c.2201G>A, p.Arg734Gln (NM_001328665.2, NM_001328667.2); c.2366G>A, p.Arg789Gln (NM_001328666.2); short protein forms R734Q, R789Q, R798Q.
Identifiers: ClinVar variation 779297 (VCV000779297.8), dbSNP rs41311172, ClinGen allele CA959283.
Genomic context (GRCh38, chr1:94,179,812, plus strand): 5'-AGACTGTTAAAATTTGATGCTGGCAATTGTCTTAGAAGGTCTTTGCTTTTTAGAAGAATT[C>T]GGTTTATTTCTATACACATATTTGGCCATTTTTTGTCTTCAAGACTATTCTTTTTTGTCT-3'
Protein context (NP_004806.3, residues 788-808): KWPNMCIEIN[Arg798Gln]ILLKSKDLLR